The following is an entry in ClinVar:

NM_004369.4(COL6A3):c.619C>A (p.His207Asn)

Gene: COL6A3 (collagen type VI alpha 3 chain; minus strand). Cytogenetic location: 2q37.3.
Variant type: single nucleotide variant.
Coding change: c.619C>A on transcript NM_004369.4 (MANE Select); coding-DNA position 619, C replaced by A.
Protein change: p.His207Asn; replaces histidine 207 with asparagine.
Molecular consequence: missense variant. On other transcripts: intron variant (4).
Genome position (GRCh38, 1-based): chr2:237,394,677, G>T on the plus strand (C>A on the coding strand, the complement: COL6A3 is on the minus strand). VCF-style: chr2-237394677-G-T. GRCh37 (hg19) VCF-style: chr2-238303320-G-T.
Other names: c.91+2050C>A (NM_057166.5, NM_057167.4, NM_057164.5 and 1 more transcripts); short protein forms H207N.
Identifiers: ClinVar variation 1044103 (VCV001044103.9), dbSNP rs749985039, ClinGen allele CA2189827.

ClinVar aggregate classification (germline): Uncertain significance (1 of 4 stars; one submission).

Conditions:
Bethlem myopathy 1A. Also called: Bethlem Muscular Dystrophy; MYOPATHY, BENIGN CONGENITAL, WITH CONTRACTURES; Bethlem myopathy 1. Identifiers: Orphanet 610, MedGen CN029274, MONDO:0024530, OMIM 158810.

gnomAD v4.1: 2 of 1,614,234 alleles (0.00012%); highest among the groups gnomAD compares: Non-Finnish European, 0.00017%; no homozygotes.

Submission:

Labcorp Genetics (formerly Invitae), Labcorp
Classification: Uncertain significance for Bethlem myopathy 1A. Last evaluated: 2021-07-04. Review status: criteria provided, single submitter. Criteria: Invitae Variant Classification Sherloc (09022015). Collection method: clinical testing. Allele origin: germline.
Comment: This sequence change replaces histidine with asparagine at codon 207 of the COL6A3 protein (p.His207Asn). The histidine residue is weakly conserved and there is a small physicochemical difference between histidine and asparagine. This variant is present in population databases (rs749985039, ExAC 0.001%). This variant has not been reported in the literature in individuals with COL6A3-related conditions. Advanced modeling of protein sequence and biophysical properties (such as structural, functional, and spatial information, amino acid conservation, physicochemical variation, residue mobility, and thermodynamic stability) performed at Invitae indicates that this missense variant is not expected to disrupt COL6A3 protein function. In summary, the available evidence is currently insufficient to determine the role of this variant in disease. Therefore, it has been classified as a Variant of Uncertain Significance.